The following is an entry in ClinVar:

ClinVar aggregate classification (germline): Conflicting classifications of pathogenicity. Review status: criteria provided, conflicting classifications (1 of 4 stars). 2 submissions from 2 submitters: Uncertain significance (1); Likely benign (1). Last evaluated 2023-06-20.

Conditions:
Catecholaminergic polymorphic ventricular tachycardia 1. Also called: VENTRICULAR TACHYCARDIA, STRESS-INDUCED POLYMORPHIC 1; VENTRICULAR TACHYCARDIA, CATECHOLAMINERGIC POLYMORPHIC, 1, WITH OR WITHOUT ATRIAL DYSFUNCTION AND/OR DILATED CARDIOMYOPATHY; RYR2-Related Catecholaminergic Polymorphic Ventricular Tachycardia. Identifiers: Orphanet 3286, MedGen C1631597, MONDO:0011484, OMIM 604772.
Cardiomyopathy (CMYO). Also called: Cardiomyopathies. Identifiers: Orphanet 167848, MedGen C0878544, MONDO:0004994, HP:0001638. Inheritance: Various modes of inheritance.

Allele frequency attached by ClinVar (database versions not stated): gnomAD exomes below 0.00001; ExAC 0.00001; TOPMed 0.00002.
gnomAD v4.1: 3 of 1,612,568 alleles (0.00019%); highest among the groups gnomAD compares: African/African-American, 0.004%; no homozygotes.

Submissions (2):

Labcorp Genetics (formerly Invitae), Labcorp
Classification: Likely benign for Catecholaminergic polymorphic ventricular tachycardia 1. Last evaluated: 2023-06-20. Review status: criteria provided, single submitter. Criteria: Invitae Variant Classification Sherloc (09022015). Collection method: clinical testing. Allele origin: germline.

Color Diagnostics, LLC DBA Color Health
Classification: Uncertain significance for Cardiomyopathy. Last evaluated: 2022-03-29. Review status: criteria provided, single submitter. Criteria: ACMG Guidelines, 2015. Collection method: clinical testing. Allele origin: germline.
Comment: This variant causes a C to G nucleotide substitution at the -7 position of intron 9 of the RYR2 gene. Splice prediction tools and conservation analysis are inconclusive regarding the impact of this variant on RNA splicing. To our knowledge, functional studies have not been reported for this variant. This variant has not been reported in individuals affected with cardiovascular disorders in the literature. This variant has been identified in 1/248424 chromosomes in the general population by the Genome Aggregation Database (gnomAD). The available evidence is insufficient to determine the role of this variant in disease conclusively. Therefore, this variant is classified as a Variant of Uncertain Significance.

NM_001035.3(RYR2):c.677-7C>G

Gene: RYR2 (ryanodine receptor 2; plus strand). Cytogenetic location: 1q43.
Variant type: single nucleotide variant.
Coding change: c.677-7C>G on transcript NM_001035.3 (MANE Select); 7 bases into the intron before coding-DNA position 677, C replaced by G.
Molecular consequence: intron variant.
Genome position (GRCh38, 1-based): chr1:237,388,080, C>G. VCF-style: chr1-237388080-C-G. GRCh37 (hg19) VCF-style: chr1-237551380-C-G.
Other names: c.677-7C>G (LRG_402t1).
Identifiers: ClinVar variation 463622 (VCV000463622.12), dbSNP rs747407654, ClinGen allele CA075191.